The following is an entry in ClinVar:

NM_133433.4(NIPBL):c.4793A>G (p.Asn1598Ser)

Gene: NIPBL (NIPBL cohesin loading factor; plus strand). Cytogenetic location: 5p13.2.
Variant type: single nucleotide variant.
Coding change: c.4793A>G on transcript NM_133433.4 (MANE Select); coding-DNA position 4793, A replaced by G.
Protein change: p.Asn1598Ser; replaces asparagine 1598 with serine.
Molecular consequence: missense variant.
Genome position (GRCh38, 1-based): chr5:37,017,035, A>G. VCF-style: chr5-37017035-A-G. GRCh37 (hg19) VCF-style: chr5-37017137-A-G.
Other names: c.4793A>G, p.Asn1598Ser (NM_015384.5); short protein forms N1598S.
Identifiers: ClinVar variation 3630623 (VCV003630623.2).

ClinVar aggregate classification (germline): Uncertain significance (1 of 4 stars; one submission).

Conditions:
Cornelia de Lange syndrome 1 (CDLS1). Also called: Brachmann de Lange syndrome; NIPBL-Related Cornelia de Lange Syndrome; TYPUS DEGENERATIVUS AMSTELODAMENSIS. Identifiers: Orphanet 199, MedGen C4551851, MONDO:0007387, OMIM 122470.

gnomAD v4.1: 2 of 1,608,392 alleles (0.00012%); highest among the groups gnomAD compares: Non-Finnish European, 0.00017%; no homozygotes.

Submission:

Labcorp Genetics (formerly Invitae), Labcorp
Classification: Uncertain significance for Cornelia de Lange syndrome 1. Last evaluated: 2024-02-17. Review status: criteria provided, single submitter. Criteria: Invitae Variant Classification Sherloc (09022015). Collection method: clinical testing. Allele origin: germline.
Comment: This sequence change replaces asparagine, which is neutral and polar, with serine, which is neutral and polar, at codon 1598 of the NIPBL protein (p.Asn1598Ser). The frequency data for this variant in the population databases is considered unreliable, as metrics indicate poor data quality at this position in the gnomAD database. This variant has not been reported in the literature in individuals affected with NIPBL-related conditions. Advanced modeling of protein sequence and biophysical properties (such as structural, functional, and spatial information, amino acid conservation, physicochemical variation, residue mobility, and thermodynamic stability) has been performed at Invitae for this missense variant, however the output from this modeling did not meet the statistical confidence thresholds required to predict the impact of this variant on NIPBL protein function. In summary, the available evidence is currently insufficient to determine the role of this variant in disease. Therefore, it has been classified as a Variant of Uncertain Significance.